The following is an entry in ClinVar:

ClinVar aggregate classification (germline): Uncertain significance (1 of 4 stars; one submission).

Submission:

GeneDx
Classification: Uncertain significance. Last evaluated: 2025-04-27. Review status: criteria provided, single submitter. Criteria: GeneDx Variant Classification Process June 2021. Collection method: clinical testing. Allele origin: germline. Affected: yes.
Comment: Frameshift variant predicted to result in abnormal protein length as the last 7 amino acid(s) are replaced with 15 different amino acid(s); Has not been previously published as pathogenic or benign to our knowledge; Not observed at significant frequency in large population cohorts (gnomAD); Located in a region that tolerates variation and lacks pathogenic variants; Also known as 10461_10462dup

NM_000059.4(BRCA2):c.10233_10234dup (p.Ile3412fs)

Gene: BRCA2 (BRCA2 DNA repair associated; plus strand). Cytogenetic location: 13q13.1.
Variant type: Duplication.
Coding change: c.10233_10234dup on transcript NM_000059.4 (MANE Select); coding-DNA positions 10233 to 10234, 2 bases duplicated (AA; older notation c.10233_10234dupAA).
Protein change: p.Ile3412fs; shifts the reading frame from isoleucine 3412.
Molecular consequence: frameshift variant. On other transcripts: non-coding transcript variant (1).
Genome position (GRCh38, 1-based): chr13:32,398,746-32,398,747, AA duplicated. VCF-style (leftmost placement, unchanged base first): chr13-32398745-C-CAA. GRCh37 (hg19) VCF-style: chr13-32972882-C-CAA.
Other names: c.10137_10138dup, p.Ile3380fs (NM_001406719.1); c.10182_10183dup, p.Ile3395fs (NM_001406720.1); c.5301_5302dup, p.Ile1768fs (NM_001406721.1); c.3816_3817dup, p.Ile1273fs (NM_001406722.1); c.10233_10234dup, p.Ile3412fs (NM_001432077.1); short protein forms I1273fs, I1768fs, I3380fs, I3395fs, I3412fs.
Identifiers: ClinVar variation 4527308 (VCV004527308.1).